The following is an entry in ClinVar:

ClinVar aggregate classification (germline): Benign/Likely benign. Review status: criteria provided, multiple submitters, no conflicts (2 of 4 stars). 3 submissions from 3 submitters: Benign (2); Likely benign (1). Last evaluated 2018-01-13.

Conditions:
Majeed syndrome (MJDS). Also called: CHRONIC RECURRENT MULTIFOCAL OSTEOMYELITIS 1, WITH CONGENITAL DYSERYTHROPOIETIC ANEMIA, WITH OR WITHOUT NEUTROPHILIC DERMATOSIS; LPIN2-Related Majeed Syndrome. Identifiers: Orphanet 77297, MedGen C1864997, MONDO:0012316, OMIM 609628.
Autoinflammatory syndrome. Identifiers: Orphanet 93665, MedGen C3890737, MONDO:0019751.

Allele frequency attached by ClinVar (database versions not stated): gnomAD exomes 0.00814; gnomAD 0.01403; TOPMed 0.01948; 1000 Genomes Project 0.02177; 1000 Genomes Project 30x 0.02249.
gnomAD v4.1: 13,318 of 1,516,972 alleles (0.88%); highest among the groups gnomAD compares: Admixed American, 10%; 400 homozygotes.

Submissions (3):

Illumina Laboratory Services, Illumina
Classification: Benign for Majeed syndrome. Last evaluated: 2018-01-13. Review status: criteria provided, single submitter. Criteria: ICSL Variant Classification Criteria 13 December 2019. Collection method: clinical testing. Allele origin: germline.
Comment: This variant was observed in the ICSL laboratory as part of a predisposition screen in an ostensibly healthy population. It had not been previously curated by ICSL or reported in the Human Gene Mutation Database (HGMD: prior to June 1st, 2018), and was therefore a candidate for classification through an automated scoring system. Utilizing variant allele frequency, disease prevalence and penetrance estimates, and inheritance mode, an automated score was calculated to assess if this variant is too frequent to cause the disease. Based on the score and internal cut-off values, a variant classified as benign is not then subjected to further curation. The score for this variant resulted in a classification of benign for this disease.

Genome Diagnostics Laboratory, The Hospital for Sick Children
Classification: Likely benign for Autoinflammatory syndrome. Last evaluated: 2017-01-17. Review status: criteria provided, single submitter. Criteria: ACMG Guidelines, 2015. Collection method: clinical testing. Allele origin: germline. Affected: yes.

Breakthrough Genomics
Classification: Benign. Review status: criteria provided, single submitter. Criteria: ACMG Guidelines, 2015. Collection method: not provided. Allele origin: germline. Inheritance: Unknown mechanism. Affected: yes.

NM_001375808.2(LPIN2):c.*99C>T

Gene: LPIN2 (lipin 2; minus strand). Cytogenetic location: 18p11.31.
Variant type: single nucleotide variant.
Coding change: c.*99C>T on transcript NM_001375808.2 (MANE Select); 99 bases downstream of the stop codon, C replaced by T.
Molecular consequence: 3 prime UTR variant.
Genome position (GRCh38, 1-based): chr18:2,920,194, G>A on the plus strand (C>T on the coding strand, the complement: LPIN2 is on the minus strand). VCF-style: chr18-2920194-G-A. GRCh37 (hg19) VCF-style: chr18-2920192-G-A.
Other names: c.*99C>T (NM_001375809.1, NM_014646.2).
Identifiers: ClinVar variation 326630 (VCV000326630.9), dbSNP rs143728428, ClinGen allele CA10641276.